The following is an entry in ClinVar:

ClinVar aggregate classification (germline): Uncertain significance. Review status: criteria provided, multiple submitters, no conflicts (2 of 4 stars). 3 submissions from 3 submitters: Uncertain significance (3). Last evaluated 2025-07-02.

Conditions:
Hereditary cancer-predisposing syndrome. Also called: Hereditary neoplastic syndrome; Neoplastic Syndromes, Hereditary; Hereditary Cancer Syndrome; Tumor predisposition. Identifiers: Orphanet 140162, MedGen C0027672, MeSH D009386, MONDO:0015356.
Tuberous sclerosis 1 (TSC1). Identifiers: Orphanet 805, MedGen C1854465, MONDO:0008612, OMIM 191100.

Allele frequency attached by ClinVar (database versions not stated): gnomAD exomes below 0.00001; gnomAD 0.00001; TOPMed 0.00002.

Submissions (3):

Ambry Genetics
Classification: Uncertain significance for Hereditary cancer-predisposing syndrome. Last evaluated: 2025-07-02. Review status: criteria provided, single submitter. Criteria: Ambry Variant Classification Scheme 2023. Collection method: clinical testing. Allele origin: germline.
Comment: The c.1277_1279delATT variant (also known as p.D426_S427delinsA) is located in coding exon 11 of the TSC1 gene. This variant results from an in-frame ATT deletion at nucleotide positions 1277 to 1279. The amino acids at codons 426 to 427 are replaced by alanine, an amino acid with highly similar properties. This amino acid region is well conserved in available vertebrate species. In addition, this variant is predicted to be neutral by in silico analysis (Choi Y et al. PLoS ONE. 2012; 7(10):e46688). Based on the available evidence, the clinical significance of this variant remains unclear.

Labcorp Genetics (formerly Invitae), Labcorp
Classification: Uncertain significance for Tuberous sclerosis 1. Last evaluated: 2025-06-02. Review status: criteria provided, single submitter. Criteria: Invitae Variant Classification Sherloc (09022015). Collection method: clinical testing. Allele origin: germline.
Comment: This variant, c.1277_1279del, is a complex sequence change that results in the deletion of 2 amino acids and insertion of 1 amino acid(s) in the TSC1 protein (p.Asp426_Ser427delinsAla). This variant is present in population databases (no rsID available, gnomAD 0.008%). This variant has not been reported in the literature in individuals affected with TSC1-related conditions. ClinVar contains an entry for this variant (Variation ID: 572223). Experimental studies and prediction algorithms are not available or were not evaluated, and the functional significance of this variant is currently unknown. In summary, the available evidence is currently insufficient to determine the role of this variant in disease. Therefore, it has been classified as a Variant of Uncertain Significance.

GeneDx
Classification: Uncertain significance. Last evaluated: 2023-03-08. Review status: criteria provided, single submitter. Criteria: GeneDx Variant Classification Process June 2021. Collection method: clinical testing. Allele origin: germline. Affected: yes.
Comment: In-frame deletion of 2 amino acids replaced with 1 incorrect amino acid in a non-repeat region; In silico analysis supports that this variant does not alter protein structure/function; Has not been previously published as pathogenic or benign to our knowledge; This variant is associated with the following publications: (PMID: 18466115)

NM_000368.5(TSC1):c.1277_1279del (p.Asp426_Ser427delinsAla)

Gene: TSC1 (TSC complex subunit 1; minus strand). Cytogenetic location: 9q34.13.
Variant type: Deletion.
Coding change: c.1277_1279del on transcript NM_000368.5 (MANE Select); coding-DNA positions 1277 to 1279, 3 bases deleted (ATT; older notation c.1277_1279delATT).
Protein change: p.Asp426_Ser427delinsAla.
Molecular consequence: inframe indel.
Genome position (GRCh38, 1-based): chr9:132,907,355-132,907,357, AAT deleted on the plus strand (ATT on the coding strand, the reverse complement: TSC1 is on the minus strand). VCF-style (leftmost placement, unchanged base first): chr9-132907354-GAAT-G. GRCh37 (hg19) VCF-style: chr9-135782741-GAAT-G.
Other names: c.1274_1276del, p.Asp425_Ser426delinsAla (NM_001162426.2); c.1124_1126del, p.Asp375_Ser376delinsAla (NM_001162427.2); c.914_916del, p.Asp305_Ser306delinsAla (NM_001362177.2); c.1277_1279delATT (NM_000368.4).
Identifiers: ClinVar variation 572223 (VCV000572223.11), dbSNP rs1203057835, ClinGen allele CA591048737.
Genomic context (GRCh38, chr9:132,907,354, plus strand): 5'-ATTTTACCTGATCCTCTGTCATTCAGAAGATGGTGTTGTCTGTGTAGACATGGTCTTGCA[GAAT>G]CCATTCTCTCTTCCTGAAAAGATAAGTATCATTTATATCACAAGACGAAAAATGTTGCAC-3'